The following is an entry in ClinVar:

ClinVar aggregate classification (germline): Conflicting classifications of pathogenicity. Review status: criteria provided, conflicting classifications (1 of 4 stars). 2 submissions from 2 submitters: Uncertain significance (1); Likely benign (1). Last evaluated 2026-08-01.

Conditions:
Inborn genetic diseases. Identifiers: MedGen C0950123, MeSH D030342.

Allele frequency attached by ClinVar (database versions not stated): 1000 Genomes Project 30x 0.00141; ExAC 0.00423; gnomAD 0.00437; ESP Exome Variant Server 0.00446; TOPMed 0.00473; gnomAD exomes 0.00581; 1000 Genomes Project 0.00120.
gnomAD v4.1: 9,114 of 1,614,082 alleles (0.56%); highest among the groups gnomAD compares: Admixed American, 0.67%; 27 homozygotes.

Submissions (2):

CeGaT Center for Human Genetics Tuebingen
Classification: Likely benign. Last evaluated: 2026-08-01. Review status: criteria provided, single submitter. Criteria: CeGaT Center For Human Genetics Tuebingen Variant Classification Criteria Version 2. Collection method: clinical testing. Allele origin: germline. Affected: yes. Observed: 8 variant alleles.
Comment: GUCY2C-AS1: BS2; WBP11: BS2

Ambry Genetics
Classification: Uncertain significance for Inborn genetic diseases. Last evaluated: 2021-08-16. Review status: criteria provided, single submitter. Criteria: Ambry Variant Classification Scheme 2023. Collection method: clinical testing. Allele origin: germline.

NM_016312.3(WBP11):c.1148C>T (p.Thr383Ile)

Gene: WBP11 (WW domain binding protein 11; minus strand). Cytogenetic location: 12p12.3.
Variant type: single nucleotide variant.
Coding change: c.1148C>T on transcript NM_016312.3 (MANE Select); coding-DNA position 1148, C replaced by T.
Protein change: p.Thr383Ile; replaces threonine 383 with isoleucine.
Molecular consequence: missense variant.
Genome position (GRCh38, 1-based): chr12:14,790,617, G>A on the plus strand (C>T on the coding strand, the complement: WBP11 is on the minus strand). VCF-style: chr12-14790617-G-A. GRCh37 (hg19) VCF-style: chr12-14943551-G-A.
Other names: short protein forms T383I.
Identifiers: ClinVar variation 2398314 (VCV002398314.26), dbSNP rs148994715, ClinGen allele CA6464278.
Genomic context (GRCh38, chr12:14,790,617, plus strand): 5'-TGTATCTGAGAAGGAGGAACAGACTGCGGCGGAGCCTGCTGCTGTGAAGAAGCAGTGGAT[G>A]TGCCATCAGAATGGGATTCCTCTTTATGCTGCTTTTGTGATTGCTTTTCTGCTTCAGAGT-3'
Protein context (NP_057396.1, residues 373-393): QHKEESHSDG[Thr383Ile]STASSQQQAP